The following is an entry in ClinVar:

ClinVar aggregate classification (germline): Conflicting classifications of pathogenicity. Review status: criteria provided, conflicting classifications (1 of 4 stars). 4 submissions from 4 submitters: Uncertain significance (1); Likely benign (2). 1 of the submissions does not count toward it. Last evaluated 2025-12-22.

Conditions:
Peroxisome biogenesis disorder, complementation group K (CGK). Identifiers: MedGen C1866257, MONDO:0800365.
PEX14-related disorder. Also called: PEX14-related condition.

Allele frequency attached by ClinVar (database versions not stated): 1000 Genomes Project 0.00060; TOPMed 0.00029; 1000 Genomes Project 30x 0.00047.
gnomAD v4.1: 104 of 1,613,052 alleles (0.0064%); highest among the groups gnomAD compares: African/African-American, 0.11%; no homozygotes.

Submissions (4):

Labcorp Genetics (formerly Invitae), Labcorp
Classification: Likely benign for Peroxisome biogenesis disorder, complementation group K. Last evaluated: 2025-12-22. Review status: criteria provided, single submitter. Criteria: Invitae Variant Classification Sherloc (09022015). Collection method: clinical testing. Allele origin: germline.

Blueprint Genetics
Classification: Likely benign. Last evaluated: 2024-10-09. Review status: criteria provided, single submitter. Criteria: ACMG Guidelines, 2015. Collection method: clinical testing. Allele origin: germline.

Eurofins Ntd Llc (ga)
Classification: Uncertain significance. Last evaluated: 2016-06-19. Review status: criteria provided, single submitter. Criteria: EGL Classification Definitions 2015. Collection method: clinical testing. Allele origin: germline. Observed: 1 variant allele, 1 heterozygote.

PreventionGenetics, part of Exact Sciences
Classification: Likely benign for PEX14-related condition. Last evaluated: 2021-10-29. Review status: no assertion criteria provided. Collection method: clinical testing. Allele origin: germline. Not counted in ClinVar's aggregate classification.
Comment: This variant is classified as likely benign based on ACMG/AMP sequence variant interpretation guidelines (Richards et al. 2015 PMID: 25741868, with internal and published modifications).

NM_004565.3(PEX14):c.299-8G>A

Gene: PEX14 (peroxisomal biogenesis factor 14; plus strand). Cytogenetic location: 1p36.22.
Variant type: single nucleotide variant.
Coding change: c.299-8G>A on transcript NM_004565.3 (MANE Select); 8 bases into the intron before coding-DNA position 299, G replaced by A.
Molecular consequence: intron variant.
Genome position (GRCh38, 1-based): chr1:10,618,324, G>A. VCF-style: chr1-10618324-G-A. GRCh37 (hg19) VCF-style: chr1-10678381-G-A.
Identifiers: ClinVar variation 288364 (VCV000288364.18), dbSNP rs112851814, ClinGen allele CA583790.